The following is an entry in ClinVar:

NM_001009944.3(PKD1):c.11383T>G (p.Trp3795Gly)

Genes: PKD1-AS1 (PKD1 antisense RNA 1; plus strand), PKD1 (polycystin 1, transient receptor potential channel interacting; minus strand). Cytogenetic location: 16p13.3.
Variant type: single nucleotide variant.
Coding change: c.11383T>G on transcript NM_001009944.3 (MANE Select); coding-DNA position 11383, T replaced by G.
Protein change: p.Trp3795Gly; replaces tryptophan 3795 with glycine.
Molecular consequence: missense variant.
Genome position (GRCh38, 1-based): chr16:2,092,075, A>C on the plus strand (T>G on the coding strand, the complement: PKD1 is on the minus strand). VCF-style: chr16-2092075-A-C. GRCh37 (hg19) VCF-style: chr16-2142076-A-C.
Other names: c.11380T>G, p.Trp3794Gly (NM_000296.4); short protein forms W3794G, W3795G.
Identifiers: ClinVar variation 4535519 (VCV004535519.1).

ClinVar aggregate classification (germline): Uncertain significance (1 of 4 stars; one submission).

Submission:

Women's Health and Genetics/Laboratory Corporation of America, LabCorp
Classification: Uncertain significance. Last evaluated: 2025-09-15. Review status: criteria provided, single submitter. Criteria: LabCorp Variant Classification Summary - May 2015. Collection method: clinical testing. Allele origin: germline.
Comment: Variant summary: PKD1 c.11383T>G (p.Trp3795Gly) results in a non-conservative amino acid change in the encoded protein sequence. Algorithms developed to predict the effect of missense changes on protein structure and function are either unavailable or do not agree on the potential impact of this missense change. The variant was absent in 248844 control chromosomes. The available data on variant occurrences in the general population are insufficient to allow any conclusion about variant significance. To our knowledge, no occurrence of c.11383T>G in individuals affected with PKD1-related conditions and no experimental evidence demonstrating its impact on protein function have been reported. No submitters have cited clinical-significance assessments for this variant to ClinVar. Based on the evidence outlined above, the variant was classified as uncertain significance.